The following is an entry in ClinVar:

ClinVar aggregate classification (germline): Uncertain significance (1 of 4 stars; one submission).

Conditions:
Primary ciliary dyskinesia. Also called: Ciliary dyskinesia. Identifiers: Orphanet 244, MedGen C0008780, MONDO:0016575, HP:0012265.

Submission:

Labcorp Genetics (formerly Invitae), Labcorp
Classification: Uncertain significance for Primary ciliary dyskinesia. Last evaluated: 2022-02-05. Review status: criteria provided, single submitter. Criteria: Invitae Variant Classification Sherloc (09022015). Collection method: clinical testing. Allele origin: germline.
Comment: This sequence change falls in intron 6 of the DNAH11 gene. It does not directly change the encoded amino acid sequence of the DNAH11 protein. It affects a nucleotide within the consensus splice site. This variant is present in population databases (rs752748339, gnomAD 0.008%). This variant has not been reported in the literature in individuals affected with DNAH11-related conditions. ClinVar contains an entry for this variant (Variation ID: 1046762). Variants that disrupt the consensus splice site are a relatively common cause of aberrant splicing (PMID: 17576681, 9536098). Algorithms developed to predict the effect of sequence changes on RNA splicing suggest that this variant is not likely to affect RNA splicing. In summary, the available evidence is currently insufficient to determine the role of this variant in disease. Therefore, it has been classified as a Variant of Uncertain Significance.

Literature cited by the submitters: PubMed 17576681; PubMed 9536098.

NM_001277115.2(DNAH11):c.1194+6_1194+8del

Gene: DNAH11 (dynein axonemal heavy chain 11; plus strand). Cytogenetic location: 7p15.3.
Variant type: Deletion.
Coding change: c.1194+6_1194+8del on transcript NM_001277115.2 (MANE Select); bases 6 to 8 of the intron after coding-DNA position 1194, 3 bases deleted (AAG; older notation c.1194+6_1194+8delAAG).
Molecular consequence: intron variant.
Genome position (GRCh38, 1-based): chr7:21,564,403-21,564,405, AAG deleted; deleting any 3 consecutive bases within chr7:21,564,402-21,564,405 gives the same sequence; the c. name uses the placement nearest the transcript's 3' end. VCF-style (leftmost placement, unchanged base first): chr7-21564401-TGAA-T. GRCh37 (hg19) VCF-style: chr7-21604019-TGAA-T.
Identifiers: ClinVar variation 1046762 (VCV001046762.4), dbSNP rs752748339, ClinGen allele CA4178922.
Genomic context (GRCh38, chr7:21,564,401, plus strand): 5'-ACCCCAGCTCGGGTTATAGTTTTATTGCAAGAGTTTTGTAATCTCTTCATTAACCAGGTA[TGAA>T]GCATCAAAAAACAGGAACAATAAGAATTGTTGCTGTGAGGTAGGTTTTACGAGACTAGTG-3'